The following is an entry in ClinVar:

NM_015338.6(ASXL1):c.1465C>G (p.Arg489Gly)

Gene: ASXL1 (ASXL transcriptional regulator 1; plus strand). Cytogenetic location: 20q11.21.
Variant type: single nucleotide variant.
Coding change: c.1465C>G on transcript NM_015338.6 (MANE Select); coding-DNA position 1465, C replaced by G.
Protein change: p.Arg489Gly; replaces arginine 489 with glycine.
Molecular consequence: missense variant.
Genome position (GRCh38, 1-based): chr20:32,433,663, C>G. VCF-style: chr20-32433663-C-G. GRCh37 (hg19) VCF-style: chr20-31021466-C-G.
Other names: c.1282C>G, p.Arg428Gly (NM_001363734.1); short protein forms R428G, R489G.
Identifiers: ClinVar variation 745834 (VCV000745834.36), dbSNP rs142172134, ClinGen allele CA9808359.

ClinVar aggregate classification (germline): Benign/Likely benign. Review status: criteria provided, multiple submitters, no conflicts (2 of 4 stars). 5 submissions from 5 submitters: Benign (3); Likely benign (1). 1 of the submissions does not count toward it. Last evaluated 2025-09-19.

Conditions:
ASXL1-related disorder. Also called: ASXL1-related condition; ASXL1-related disorders.
Bohring-Opitz syndrome. Also called: C-LIKE SYNDROME; BOHRING SYNDROME; OPITZ TRIGONOCEPHALY-LIKE SYNDROME; ASXL1-Related Bohring-Opitz Syndrome. Identifiers: Orphanet 97297, MedGen C0796232, MONDO:0011510, OMIM 605039.

Allele frequency attached by ClinVar (database versions not stated): 1000 Genomes Project 0.00080; TOPMed 0.00102; 1000 Genomes Project 30x 0.00062; ESP Exome Variant Server 0.00077.
gnomAD v4.1: 314 of 1,611,238 alleles (0.019%); highest among the groups gnomAD compares: African/African-American, 0.35%; 1 homozygote.

Submissions (5):

Labcorp Genetics (formerly Invitae), Labcorp
Classification: Likely benign. Last evaluated: 2025-09-19. Review status: criteria provided, single submitter. Criteria: Invitae Variant Classification Sherloc (09022015). Collection method: clinical testing. Allele origin: germline.

CeGaT Center for Human Genetics Tuebingen
Classification: Benign. Last evaluated: 2023-11-01. Review status: criteria provided, single submitter. Criteria: CeGaT Center For Human Genetics Tuebingen Variant Classification Criteria Version 2. Collection method: clinical testing. Allele origin: germline. Affected: yes. Observed: 1 variant allele.
Comment: ASXL1: BP4, BS1, BS2

Genome-Nilou Lab
Classification: Benign for Bohring-Opitz syndrome. Last evaluated: 2021-12-05. Review status: criteria provided, single submitter. Criteria: ACMG Guidelines, 2015. Collection method: clinical testing. Allele origin: germline. Affected: no.

GeneDx
Classification: Benign. Last evaluated: 2020-10-12. Review status: criteria provided, single submitter. Criteria: GeneDx Variant Classification Process June 2021. Collection method: clinical testing. Allele origin: germline. Affected: yes.

PreventionGenetics, part of Exact Sciences
Classification: Likely benign for ASXL1-related condition. Last evaluated: 2021-06-18. Review status: no assertion criteria provided. Collection method: clinical testing. Allele origin: germline. Not counted in ClinVar's aggregate classification.
Comment: This variant is classified as likely benign based on ACMG/AMP sequence variant interpretation guidelines (Richards et al. 2015 PMID: 25741868, with internal and published modifications).